The following is an entry in ClinVar:

ClinVar aggregate classification (germline): Likely benign (0 of 4 stars; one submission).

Conditions:
SERPINA1-related disorder. Also called: SerpinA1-related disorders; SERPINA1-related condition.

Allele frequency attached by ClinVar (database versions not stated): gnomAD 0.00003; TOPMed 0.00003; ExAC 0.00006.

Submission:

PreventionGenetics, part of Exact Sciences
Classification: Likely benign for SERPINA1-related condition. Last evaluated: 2019-09-19. Review status: no assertion criteria provided. Collection method: clinical testing. Allele origin: germline.
Comment: This variant is classified as likely benign based on ACMG/AMP sequence variant interpretation guidelines (Richards et al. 2015 PMID: 25741868, with internal and published modifications).

NM_000295.5(SERPINA1):c.*10G>A

Gene: SERPINA1 (serpin family A member 1; minus strand). Cytogenetic location: 14q32.13.
Variant type: single nucleotide variant.
Coding change: c.*10G>A on transcript NM_000295.5 (MANE Select); 10 bases downstream of the stop codon, G replaced by A.
Molecular consequence: 3 prime UTR variant.
Genome position (GRCh38, 1-based): chr14:94,378,439, C>T on the plus strand (G>A on the coding strand, the complement: SERPINA1 is on the minus strand). VCF-style: chr14-94378439-C-T. GRCh37 (hg19) VCF-style: chr14-94844776-C-T.
Other names: c.*10G>A (NM_001002235.3, NM_001002236.3, NM_001127700.2 and 7 more transcripts).
Identifiers: ClinVar variation 3040639 (VCV003040639.2), dbSNP rs747590096, ClinGen allele CA7327241.
Genomic context (GRCh38, chr14:94,378,439, plus strand): 5'-CAACCCTTCTTTAATGTCATCCAGGGAGGGGGCCAGGGATGGAGGGGAGGGGTTGAGGAG[C>T]GAGAGGCAGTTATTTTTGGGTGGGATTCACCACTTTTCCCATGAAGAGGGGAGACTTGGT-3'